The following is an entry in ClinVar:

ClinVar aggregate classification (germline): Conflicting classifications of pathogenicity. Review status: criteria provided, conflicting classifications (1 of 4 stars). 4 submissions from 4 submitters: Uncertain significance (3); Likely benign (1). Last evaluated 2026-02-27.

Conditions:
Hereditary cancer-predisposing syndrome. Also called: Neoplastic Syndromes, Hereditary; Hereditary Cancer Syndrome; Tumor predisposition; Hereditary neoplastic syndrome. Identifiers: Orphanet 140162, MedGen C0027672, MeSH D009386, MONDO:0015356.
PTCH1-related disorder. Also called: PTCH1-related disorders; PTCH1-related condition.
Gorlin syndrome. Also called: Basal cell nevus syndrome; Nevoid Basal Cell Carcinoma Syndrome. Identifiers: Orphanet 377, MedGen C0004779, MONDO:0007187.

Allele frequency attached by ClinVar (database versions not stated): TOPMed below 0.00001; ExAC 0.00001; gnomAD exomes 0.00001.
gnomAD v4.1: 12 of 1,614,184 alleles (0.00074%); highest among the groups gnomAD compares: Non-Finnish European, 0.001%; no homozygotes.

Submissions (4):

PreventionGenetics, part of Exact Sciences
Classification: Uncertain significance for PTCH1-related condition. Last evaluated: 2026-02-27. Review status: criteria provided, single submitter. Criteria: ACMG Guidelines, 2015. Collection method: clinical testing. Allele origin: germline.
Comment: The PTCH1 c.485C>G variant is predicted to result in the amino acid substitution p.Pro162Arg. To our knowledge, this variant has not been reported in the literature. This variant is reported in 0.0018% of alleles in individuals of European (Non-Finnish) descent in gnomAD. This variant has conflicting interpretations in ClinVar ranging from uncertain to likely benign (Variation ID: 825234). At this time, the clinical significance of this variant is uncertain due to the absence of conclusive functional and genetic evidence.

Ambry Genetics
Classification: Uncertain significance for Hereditary cancer-predisposing syndrome. Last evaluated: 2025-09-16. Review status: criteria provided, single submitter. Criteria: Ambry Variant Classification Scheme 2023. Collection method: clinical testing. Allele origin: germline.
Comment: The p.P162R variant (also known as c.485C>G), located in coding exon 3 of the PTCH1 gene, results from a C to G substitution at nucleotide position 485. The proline at codon 162 is replaced by arginine, an amino acid with dissimilar properties. This variant has been detected in multiple individuals with no reported features of PTCH1-associated disease (Ambry internal data). This amino acid position is highly conserved in available vertebrate species. In addition, this alteration is predicted to be deleterious by in silico analysis. Based on the available evidence, the clinical significance of this variant remains unclear.

Labcorp Genetics (formerly Invitae), Labcorp
Classification: Likely benign for Gorlin syndrome. Last evaluated: 2025-08-07. Review status: criteria provided, single submitter. Criteria: Invitae Variant Classification Sherloc (09022015). Collection method: clinical testing. Allele origin: germline.

GeneDx
Classification: Uncertain significance. Last evaluated: 2022-03-24. Review status: criteria provided, single submitter. Criteria: GeneDx Variant Classification Process June 2021. Collection method: clinical testing. Allele origin: germline. Affected: yes.
Comment: Not observed at significant frequency in large population cohorts (gnomAD); In silico analysis supports that this missense variant has a deleterious effect on protein structure/function; Missense variant in a gene in which most reported pathogenic variants are truncating/loss of function; Has not been previously published as pathogenic or benign to our knowledge; This variant is associated with the following publications: (PMID: 8906794)

NM_000264.5(PTCH1):c.485C>G (p.Pro162Arg)

Gene: PTCH1 (patched 1; minus strand). Cytogenetic location: 9q22.32.
Variant type: single nucleotide variant.
Coding change: c.485C>G on transcript NM_000264.5 (MANE Select); coding-DNA position 485, C replaced by G.
Protein change: p.Pro162Arg; replaces proline 162 with arginine.
Molecular consequence: missense variant. On other transcripts: non-coding transcript variant (1).
Genome position (GRCh38, 1-based): chr9:95,485,784, G>C on the plus strand (C>G on the coding strand, the complement: PTCH1 is on the minus strand). VCF-style: chr9-95485784-G-C. GRCh37 (hg19) VCF-style: chr9-98248066-G-C.
Other names: c.287C>G, p.Pro96Arg (NM_001083602.3, NM_001354919.2); c.482C>G, p.Pro161Arg (NM_001083603.3); c.32C>G, p.Pro11Arg (NM_001083604.3, NM_001083605.3, NM_001083606.3 and 1 more transcripts); c.485C>G, p.Pro162Arg (NM_001354918.2); short protein forms P161R, P11R, P162R, P96R.
Identifiers: ClinVar variation 825234 (VCV000825234.17), dbSNP rs770046324, ClinGen allele CA5138934.